The following continues an entry in ClinVar:

NM_001267550.2(TTN):c.57442A>G (p.Met19148Val)

ClinVar aggregate classification (germline): Conflicting classifications of pathogenicity. Uncertain significance (11); Benign (2); Likely benign (9).

Submissions 16 to 28 of 28:

Illumina Laboratory Services, Illumina
Classification: Benign for Tibial muscular dystrophy. Last evaluated: 2017-07-18. Review status: criteria provided, single submitter. Criteria: ICSL Variant Classification Criteria 13 December 2019. Collection method: clinical testing. Allele origin: germline.
Comment: This variant was observed as part of a predisposition screen in an ostensibly healthy population. A literature search was performed for the gene, cDNA change, and amino acid change (where applicable). No publications were found based on this search. Allele frequency data from public databases was too high to be consistent with this variant causing disease. Therefore, this variant is classified as benign.

Illumina Laboratory Services, Illumina
Classification: Benign for Myopathy, myofibrillar, 9, with early respiratory failure. Last evaluated: 2017-07-18. Review status: criteria provided, single submitter. Criteria: ICSL Variant Classification Criteria 13 December 2019. Collection method: clinical testing. Allele origin: germline.
Comment: the same text as in the submission from Illumina Laboratory Services, Illumina above.

Illumina Laboratory Services, Illumina
Classification: Uncertain significance for Early-onset myopathy with fatal cardiomyopathy. Last evaluated: 2017-04-27. Review status: criteria provided, single submitter. Criteria: ICSL Variant Classification Criteria 13 December 2019. Collection method: clinical testing. Allele origin: germline.

Illumina Laboratory Services, Illumina
Classification: Uncertain significance for Dilated cardiomyopathy 1G. Last evaluated: 2017-04-27. Review status: criteria provided, single submitter. Criteria: ICSL Variant Classification Criteria 13 December 2019. Collection method: clinical testing. Allele origin: germline.

Illumina Laboratory Services, Illumina
Classification: Uncertain significance for Autosomal recessive limb-girdle muscular dystrophy type 2J. Last evaluated: 2017-04-27. Review status: criteria provided, single submitter. Criteria: ICSL Variant Classification Criteria 13 December 2019. Collection method: clinical testing. Allele origin: germline.

CeGaT Center for Human Genetics Tuebingen
Classification: Uncertain significance. Last evaluated: 2016-11-30. Review status: criteria provided, single submitter. Criteria: Praxis fuer Humangenetik Tuebingen - Variant Classification Criteria. Collection method: clinical testing. Allele origin: germline. Affected: yes. Observed: 1 variant allele.

Biesecker Lab/Clinical Genomics Section, National Institutes of Health
Classification: Uncertain significance. Last evaluated: 2013-06-24. Review status: criteria provided, single submitter. Criteria: Ng et al. (Circ Cardiovasc Genet. 2013). Collection method: research. Allele origin: unknown. Observed: 1 variant allele. Study: ClinSeq.
Comment: The study set was not selected for affection status in relation to any cancer. Pathogenicity categories were based on literature curation. See Pubmed ID:23861362 for details.

Medical sequencing

Clinical Genetics DNA and cytogenetics Diagnostics Lab, Erasmus MC, Erasmus Medical Center
Classification: Likely benign. Review status: no assertion criteria provided. Collection method: clinical testing. Allele origin: germline. Affected: yes. Study: VKGL Data-share Consensus. Not counted in ClinVar's aggregate classification.

Clinical Genetics, Academic Medical Center
Classification: Likely benign. Review status: no assertion criteria provided. Collection method: clinical testing. Allele origin: germline. Affected: yes. Study: VKGL Data-share Consensus. Not counted in ClinVar's aggregate classification.

Diagnostic Laboratory, Department of Genetics, University Medical Center Groningen
Classification: Likely benign. Review status: no assertion criteria provided. Collection method: clinical testing. Allele origin: germline. Affected: yes. Study: VKGL Data-share Consensus. Not counted in ClinVar's aggregate classification.

Genome Diagnostics Laboratory, University Medical Center Utrecht
Classification: Likely benign. Review status: no assertion criteria provided. Collection method: clinical testing. Allele origin: germline. Affected: yes. Study: VKGL Data-share Consensus. Not counted in ClinVar's aggregate classification.

Joint Genome Diagnostic Labs from Nijmegen and Maastricht, Radboudumc and MUMC+
Classification: Benign. Review status: no assertion criteria provided. Collection method: clinical testing. Allele origin: germline. Affected: yes. Study: VKGL Data-share Consensus. Not counted in ClinVar's aggregate classification.

Laboratory of Diagnostic Genome Analysis, Leiden University Medical Center (LUMC)
Classification: Likely benign. Review status: no assertion criteria provided. Collection method: clinical testing. Allele origin: germline. Affected: yes. Study: VKGL Data-share Consensus. Not counted in ClinVar's aggregate classification.

Literature cited by the submitters: PubMed 35207729 (cited by Women's Health and Genetics/Laboratory Corporation of America, LabCorp and Athena Diagnostics); PubMed 29511324 (cited by Athena Diagnostics and Ambry Genetics); PubMed 23396983 (cited by Athena Diagnostics and Ambry Genetics); PubMed 23861362 (cited by Athena Diagnostics and Ambry Genetics).